The following is an entry in ClinVar:

NM_001122630.2(CDKN1C):c.496G>T (p.Val166Phe)

Gene: CDKN1C (cyclin dependent kinase inhibitor 1C; minus strand). Cytogenetic location: 11p15.4.
Variant type: single nucleotide variant.
Coding change: c.496G>T on transcript NM_001122630.2 (MANE Select); coding-DNA position 496, G replaced by T.
Protein change: p.Val166Phe; replaces valine 166 with phenylalanine.
Molecular consequence: missense variant. On other transcripts: intron variant (1).
Genome position (GRCh38, 1-based): chr11:2,884,961, C>A on the plus strand (G>T on the coding strand, the complement: CDKN1C is on the minus strand). VCF-style: chr11-2884961-C-A. GRCh37 (hg19) VCF-style: chr11-2906191-C-A.
Other names: c.529G>T, p.Val177Phe (NM_000076.2, NM_001362474.2); c.496G>T, p.Val166Phe (NM_001122631.2); c.255+241G>T (NM_001362475.2); short protein forms V166F, V177F.
Identifiers: ClinVar variation 1721624 (VCV001721624.5), dbSNP rs1060500174, ClinGen allele CA379146521.
Genomic context (GRCh38, chr11:2,884,961, plus strand): 5'-CCGCGACTGGAGCCGGGGCCGGAGCCGGAGCCGGAGCCGGGGCCGGGGCCGGGGCCAGGA[C>A]CGCGACCGCGACCGGAGCCGCGACCGGAGCCGCGACCGGAGCCGGAGCCGGGGCCGGGGC-3'
Protein context (NP_001116102.1, residues 156-176): APVAAPVAVA[Val166Phe]LAPAPAPAPA

ClinVar aggregate classification (germline): Uncertain significance (1 of 4 stars; one submission).

Conditions:
Beckwith-Wiedemann syndrome (BWS). Also called: EMG SYNDROME; Exomphalos macroglossia gigantism syndrome. Identifiers: Orphanet 116, MedGen C0004903, MONDO:0007534, OMIM 130650.

Submission:

Labcorp Genetics (formerly Invitae), Labcorp
Classification: Uncertain significance for Beckwith-Wiedemann syndrome. Last evaluated: 2022-10-14. Review status: criteria provided, single submitter. Criteria: Invitae Variant Classification Sherloc (09022015). Collection method: clinical testing. Allele origin: germline.
Comment: In summary, the available evidence is currently insufficient to determine the role of this variant in disease. Therefore, it has been classified as a Variant of Uncertain Significance. Advanced modeling of protein sequence and biophysical properties (such as structural, functional, and spatial information, amino acid conservation, physicochemical variation, residue mobility, and thermodynamic stability) performed at Invitae indicates that this missense variant is not expected to disrupt CDKN1C protein function. This variant has not been reported in the literature in individuals affected with CDKN1C-related conditions. The frequency data for this variant in the population databases is considered unreliable, as metrics indicate insufficient coverage at this position in the gnomAD database. This sequence change replaces valine, which is neutral and non-polar, with phenylalanine, which is neutral and non-polar, at codon 177 of the CDKN1C protein (p.Val177Phe).